The following is an entry in ClinVar:

NM_021930.6(RINT1):c.134A>C (p.Glu45Ala)

Gene: RINT1 (RAD50 interactor 1; plus strand). Cytogenetic location: 7q22.3.
Variant type: single nucleotide variant.
Coding change: c.134A>C on transcript NM_021930.6 (MANE Select); coding-DNA position 134, A replaced by C.
Protein change: p.Glu45Ala; replaces glutamic acid 45 with alanine.
Molecular consequence: missense variant. On other transcripts: 5 prime UTR variant (3), non-coding transcript variant (1).
Genome position (GRCh38, 1-based): chr7:105,536,610, A>C. VCF-style: chr7-105536610-A-C. GRCh37 (hg19) VCF-style: chr7-105177057-A-C.
Other names: c.37A>C, p.Lys13Gln (NM_001346599.2); c.-886A>C (NM_001346600.2); c.-789A>C (NM_001346601.2); c.-409A>C (NM_001346603.2); short protein forms K13Q, E45A.
Identifiers: ClinVar variation 2625527 (VCV002625527.2), dbSNP rs2485099684, ClinGen allele CA368800111.
Genomic context (GRCh38, chr7:105,536,610, plus strand): 5'-ATTCTTTTGTTGTAGGTGACATAAATGTTACAGTTCTTATTGGAAGTAAACAAGTCAGTG[A>C]AGGTACAGATAATGGTGATCTCCCTTCTTATGTGTCTGCATTCATAGAAAAGGAAGTTGG-3'
Protein context (NP_068749.3, residues 35-55): TVLIGSKQVS[Glu45Ala]GTDNGDLPSY

ClinVar aggregate classification (germline): Uncertain significance (1 of 4 stars; one submission).

Submission:

Ambry Genetics
Classification: Uncertain significance. Last evaluated: 2023-07-17. Review status: criteria provided, single submitter. Criteria: Ambry Variant Classification Scheme 2023. Collection method: clinical testing. Allele origin: germline.
Comment: The p.E45A variant (also known as c.134A>C), located in coding exon 3 of the RINT1 gene, results from an A to C substitution at nucleotide position 134. The glutamic acid at codon 45 is replaced by alanine, an amino acid with dissimilar properties. This amino acid position is conserved. In addition, this alteration is predicted to be tolerated by in silico analysis. Since supporting evidence is limited at this time, the clinical significance of this alteration remains unclear.